The following is an entry in ClinVar:

ClinVar aggregate classification (germline): Pathogenic (1 of 4 stars; one submission).

gnomAD v4.1: 12 of 1,613,834 alleles (0.00074%); highest among the groups gnomAD compares: South Asian, 0.013%; no homozygotes.

Submission:

Labcorp Genetics (formerly Invitae), Labcorp
Classification: Pathogenic. Last evaluated: 2023-11-02. Review status: criteria provided, single submitter. Criteria: Invitae Variant Classification Sherloc (09022015). Collection method: clinical testing. Allele origin: germline.
Comment: This sequence change creates a premature translational stop signal (p.Glu1055*) in the MYO18B gene. It is expected to result in an absent or disrupted protein product. Loss-of-function variants in MYO18B are known to be pathogenic (PMID: 25748484, 32184166, 32637634). This variant is present in population databases (rs368091174, gnomAD 0.01%). This variant has not been reported in the literature in individuals affected with MYO18B-related conditions. For these reasons, this variant has been classified as Pathogenic.

Literature cited by the submitters: PubMed 25748484; PubMed 32184166; PubMed 32637634.

NM_032608.7(MYO18B):c.3163G>T (p.Glu1055Ter)

Gene: MYO18B (myosin XVIIIB; plus strand). Cytogenetic location: 22q12.1.
Variant type: single nucleotide variant.
Coding change: c.3163G>T on transcript NM_032608.7 (MANE Select); coding-DNA position 3163, G replaced by T.
Protein change: p.Glu1055Ter; replaces glutamic acid 1055 with a stop codon.
Molecular consequence: nonsense.
Genome position (GRCh38, 1-based): chr22:25,835,398, G>T. VCF-style: chr22-25835398-G-T. GRCh37 (hg19) VCF-style: chr22-26231365-G-T.
Other names: c.3166G>T, p.Glu1056Ter (NM_001318245.2); short protein forms E1056*, E1055*.
Identifiers: ClinVar variation 2956362 (VCV002956362.3), dbSNP rs368091174, ClinGen allele CA10160472.